The following is an entry in ClinVar:

ClinVar aggregate classification (germline): Uncertain significance (1 of 4 stars; one submission).

Submission:

GeneDx
Classification: Uncertain significance. Last evaluated: 2020-07-10. Review status: criteria provided, single submitter. Criteria: GeneDx Variant Classification Process June 2021. Collection method: clinical testing. Allele origin: germline. Affected: yes.
Comment: Has not been previously published as pathogenic or benign to our knowledge; Not observed in large population cohorts (Lek et al., 2016); In silico analysis supports that this missense variant does not alter protein structure/function

NM_000097.7(CPOX):c.352G>A (p.Glu118Lys)

Genes: CPOX (coproporphyrinogen oxidase; minus strand), LOC129937121 (ATAC-STARR-seq lymphoblastoid silent region 14560; plus strand). Cytogenetic location: 3q11.2.
Variant type: single nucleotide variant.
Coding change: c.352G>A on transcript NM_000097.7 (MANE Select); coding-DNA position 352, G replaced by A.
Protein change: p.Glu118Lys; replaces glutamic acid 118 with lysine.
Molecular consequence: missense variant.
Genome position (GRCh38, 1-based): chr3:98,593,153, C>T on the plus strand (G>A on the coding strand, the complement: CPOX is on the minus strand). VCF-style: chr3-98593153-C-T. GRCh37 (hg19) VCF-style: chr3-98311997-C-T.
Other names: short protein forms E118K.
Identifiers: ClinVar variation 1312862 (VCV001312862.2), dbSNP rs2107136007, ClinGen allele CA353646657.